The following is an entry in ClinVar:

NM_004863.4(SPTLC2):c.1118T>C (p.Met373Thr)

Gene: SPTLC2 (serine palmitoyltransferase long chain base subunit 2; minus strand). Cytogenetic location: 14q24.3.
Variant type: single nucleotide variant.
Coding change: c.1118T>C on transcript NM_004863.4 (MANE Select); coding-DNA position 1118, T replaced by C.
Protein change: p.Met373Thr; replaces methionine 373 with threonine.
Molecular consequence: missense variant.
Genome position (GRCh38, 1-based): chr14:77,555,358, A>G on the plus strand (T>C on the coding strand, the complement: SPTLC2 is on the minus strand). VCF-style: chr14-77555358-A-G. GRCh37 (hg19) VCF-style: chr14-78021701-A-G.
Other names: short protein forms M373T.
Identifiers: ClinVar variation 953600 (VCV000953600.10), dbSNP rs771962258, ClinGen allele CA7289271.
Genomic context (GRCh38, chr14:77,555,358, plus strand): 5'-ACCTTCTTGCCTCCAATATATCCTCCAGAAGCACCAAAACTCTTTGTGAACGTTCCCATC[A>G]TAACATCCACATCCTCGGGATCCAGGCCAAAGTACTCCACCACACCCCGGCCTGTGGGGC-3'
Protein context (NP_004854.1, residues 363-383): FGLDPEDVDV[Met373Thr]MGTFTKSFGA

ClinVar aggregate classification (germline): Uncertain significance. Review status: criteria provided, multiple submitters, no conflicts (2 of 4 stars). 2 submissions from 2 submitters: Uncertain significance (2). Last evaluated 2024-01-16.

Conditions:
Inborn genetic diseases. Identifiers: MedGen C0950123, MeSH D030342.
Neuropathy, hereditary sensory and autonomic, type 1C. Also called: HSAN IC; HSN IC. Identifiers: Orphanet 36386, MedGen C3150896, MONDO:0013337, OMIM 613640.

Allele frequency attached by ClinVar (database versions not stated): ExAC 0.00001; gnomAD exomes 0.00001; TOPMed 0.00002.
gnomAD v4.1: 8 of 1,614,114 alleles (0.0005%); highest among the groups gnomAD compares: East Asian, 0.0022%; no homozygotes.

Submissions (2):

Ambry Genetics
Classification: Uncertain significance for Inborn genetic diseases. Last evaluated: 2024-01-16. Review status: criteria provided, single submitter. Criteria: Ambry Variant Classification Scheme 2023. Collection method: clinical testing. Allele origin: germline.

Labcorp Genetics (formerly Invitae), Labcorp
Classification: Uncertain significance for Neuropathy, hereditary sensory and autonomic, type 1C. Last evaluated: 2022-06-12. Review status: criteria provided, single submitter. Criteria: Invitae Variant Classification Sherloc (09022015). Collection method: clinical testing. Allele origin: germline.
Comment: In summary, the available evidence is currently insufficient to determine the role of this variant in disease. Therefore, it has been classified as a Variant of Uncertain Significance. Algorithms developed to predict the effect of missense changes on protein structure and function are either unavailable or do not agree on the potential impact of this missense change (SIFT: "Deleterious"; PolyPhen-2: "Possibly Damaging"; Align-GVGD: "Class C0"). ClinVar contains an entry for this variant (Variation ID: 953600). This variant has not been reported in the literature in individuals affected with SPTLC2-related conditions. This variant is present in population databases (rs771962258, gnomAD 0.002%). This sequence change replaces methionine, which is neutral and non-polar, with threonine, which is neutral and polar, at codon 373 of the SPTLC2 protein (p.Met373Thr).